The following is an entry in ClinVar:

ClinVar aggregate classification (germline): Conflicting classifications of pathogenicity. Review status: criteria provided, conflicting classifications (1 of 4 stars). 6 submissions from 6 submitters: Likely pathogenic (1); Uncertain significance (3). 2 of the submissions do not count toward it. Last evaluated 2026-04-01.

Conditions:
Inborn genetic diseases. Identifiers: MedGen C0950123, MeSH D030342.
Primary ciliary dyskinesia. Also called: Ciliary dyskinesia. Identifiers: Orphanet 244, MedGen C0008780, MONDO:0016575, HP:0012265.
Bardet-Biedl syndrome 2 (BBS2). Identifiers: Orphanet 110, MedGen C2936863, MONDO:0014432, OMIM 615981.
BBS2-related disorder. Also called: BBS2-related condition; BBS2-related disorders. Identifiers: MedGen CN239228.
Bardet-Biedl syndrome (BBS). Identifiers: Orphanet 110, MedGen C0752166, MONDO:0015229.

Allele frequency attached by ClinVar (database versions not stated): gnomAD 0.00003; TOPMed 0.00006.
gnomAD v4.1: 127 of 1,613,848 alleles (0.0079%); highest among the groups gnomAD compares: African/African-American, 0.017%; no homozygotes.

Submissions (6):

Department of Human Genetics, Hannover Medical School
Classification: Likely pathogenic for Primary Ciliary Dyskinesia. Last evaluated: 2026-04-01. Review status: criteria provided, single submitter. Criteria: ACMG Guidelines, 2015. Collection method: research. Allele origin: germline. Affected: no.
Comment: Classification performed by HerediClassify using the following criteria:['PM2_supporting: Variant occures does not occur as homozygous in gnomAD.', 'PP3_protein_strong: Variant is predicted to be pathogenic by REVEL with evidence strength strong.', "PP4_moderate: The modified PICADAR socre of 6.0 exceeds threshold of 5 achieving 'strong' evidence strength."]

Ambry Genetics
Classification: Uncertain significance for Inborn genetic diseases. Last evaluated: 2025-02-25. Review status: criteria provided, single submitter. Criteria: Ambry Variant Classification Scheme 2023. Collection method: clinical testing. Allele origin: germline.

Blueprint Genetics
Classification: Uncertain significance. Last evaluated: 2024-10-09. Review status: criteria provided, single submitter. Criteria: ACMG Guidelines, 2015. Collection method: clinical testing. Allele origin: germline.

Labcorp Genetics (formerly Invitae), Labcorp
Classification: Uncertain significance for Bardet-Biedl syndrome. Last evaluated: 2022-10-24. Review status: criteria provided, single submitter. Criteria: Invitae Variant Classification Sherloc (09022015). Collection method: clinical testing. Allele origin: germline.
Comment: This sequence change replaces arginine, which is basic and polar, with histidine, which is basic and polar, at codon 661 of the BBS2 protein (p.Arg661His). This variant is present in population databases (rs747686535, gnomAD 0.01%). This variant has not been reported in the literature in individuals affected with BBS2-related conditions. ClinVar contains an entry for this variant (Variation ID: 839337). Advanced modeling of protein sequence and biophysical properties (such as structural, functional, and spatial information, amino acid conservation, physicochemical variation, residue mobility, and thermodynamic stability) performed at Invitae indicates that this missense variant is expected to disrupt BBS2 protein function. In summary, the available evidence is currently insufficient to determine the role of this variant in disease. Therefore, it has been classified as a Variant of Uncertain Significance.

PreventionGenetics, part of Exact Sciences
Classification: Uncertain significance for BBS2-related condition. Last evaluated: 2024-04-08. Review status: no assertion criteria provided. Collection method: clinical testing. Allele origin: germline. Not counted in ClinVar's aggregate classification.
Comment: The BBS2 c.1982G>A variant is predicted to result in the amino acid substitution p.Arg661His. To our knowledge, this variant has not been reported in the literature. This variant is reported in 0.012% of alleles in individuals of African descent in gnomAD. At this time, the clinical significance of this variant is uncertain due to the absence of conclusive functional and genetic evidence.

Natera, Inc.
Classification: Uncertain significance for Bardet-Biedl syndrome type 2. Last evaluated: 2020-01-17. Review status: no assertion criteria provided. Collection method: clinical testing. Allele origin: germline. Not counted in ClinVar's aggregate classification.

NM_031885.5(BBS2):c.1982G>A (p.Arg661His)

Gene: BBS2 (Bardet-Biedl syndrome 2; minus strand). Cytogenetic location: 16q13.
Variant type: single nucleotide variant.
Coding change: c.1982G>A on transcript NM_031885.5 (MANE Select); coding-DNA position 1982, G replaced by A.
Protein change: p.Arg661His; replaces arginine 661 with histidine.
Molecular consequence: missense variant. On other transcripts: non-coding transcript variant (5).
Genome position (GRCh38, 1-based): chr16:56,485,667, C>T on the plus strand (G>A on the coding strand, the complement: BBS2 is on the minus strand). VCF-style: chr16-56485667-C-T. GRCh37 (hg19) VCF-style: chr16-56519579-C-T.
Other names: c.1982G>A, p.Arg661His (NM_001377456.1); short protein forms R661H.
Identifiers: ClinVar variation 839337 (VCV000839337.8), dbSNP rs747686535, ClinGen allele CA8065562.